The following is an entry in ClinVar:

ClinVar aggregate classification (germline): Uncertain significance (1 of 4 stars; one submission).

gnomAD v4.1: 1 of 1,614,168 alleles (0.000062%); highest among the groups gnomAD compares: Non-Finnish European, 0.000085%; no homozygotes.

Submission:

Labcorp Genetics (formerly Invitae), Labcorp
Classification: Uncertain significance. Last evaluated: 2022-02-25. Review status: criteria provided, single submitter. Criteria: Invitae Variant Classification Sherloc (09022015). Collection method: clinical testing. Allele origin: germline.
Comment: This sequence change replaces glycine, which is neutral and non-polar, with valine, which is neutral and non-polar, at codon 634 of the COL7A1 protein (p.Gly634Val). This variant is present in population databases (no rsID available, gnomAD 0.0009%). This variant has not been reported in the literature in individuals affected with COL7A1-related conditions. Advanced modeling of protein sequence and biophysical properties (such as structural, functional, and spatial information, amino acid conservation, physicochemical variation, residue mobility, and thermodynamic stability) performed at Invitae indicates that this missense variant is not expected to disrupt COL7A1 protein function. Algorithms developed to predict the effect of sequence changes on RNA splicing suggest that this variant may create or strengthen a splice site. In summary, the available evidence is currently insufficient to determine the role of this variant in disease. Therefore, it has been classified as a Variant of Uncertain Significance.

NM_000094.4(COL7A1):c.1901G>T (p.Gly634Val)

Gene: COL7A1 (collagen type VII alpha 1 chain; minus strand). Cytogenetic location: 3p21.31.
Variant type: single nucleotide variant.
Coding change: c.1901G>T on transcript NM_000094.4 (MANE Select); coding-DNA position 1901, G replaced by T.
Protein change: p.Gly634Val; replaces glycine 634 with valine.
Molecular consequence: missense variant.
Genome position (GRCh38, 1-based): chr3:48,590,464, C>A on the plus strand (G>T on the coding strand, the complement: COL7A1 is on the minus strand). VCF-style: chr3-48590464-C-A. GRCh37 (hg19) VCF-style: chr3-48627897-C-A.
Other names: short protein forms G634V.
Identifiers: ClinVar variation 1989215 (VCV001989215.1), dbSNP rs749222993, ClinGen allele CA352727744.